The following is an entry in ClinVar:

ClinVar aggregate classification (germline): Likely benign. Review status: criteria provided, multiple submitters, no conflicts (2 of 4 stars). 2 submissions from 2 submitters: Likely benign (2). Last evaluated 2026-01-24.

Conditions:
Neuronal ceroid lipofuscinosis. Also called: Neuronal Ceroid Lipofuscinoses. Identifiers: Orphanet 216, Orphanet 79263, MedGen C0027877, MONDO:0016295. Disease mechanism: loss of function.

Allele frequency attached by ClinVar (database versions not stated): gnomAD 0.00001; gnomAD exomes 0.00003 and 0.00009; TOPMed 0.00005; ExAC 0.00015.
gnomAD v4.1: 40 of 1,542,216 alleles (0.0026%); highest among the groups gnomAD compares: Admixed American, 0.027%; no homozygotes.

Submissions (2):

Labcorp Genetics (formerly Invitae), Labcorp
Classification: Likely benign for Neuronal ceroid lipofuscinosis. Last evaluated: 2026-01-24. Review status: criteria provided, single submitter. Criteria: Invitae Variant Classification Sherloc (09022015). Collection method: clinical testing. Allele origin: germline.

GeneDx
Classification: Likely benign. Last evaluated: 2016-03-03. Review status: criteria provided, single submitter. Criteria: GeneDx Variant Classification (06012015). Collection method: clinical testing. Allele origin: germline. Affected: yes.
Comment: This variant is considered likely benign or benign based on one or more of the following criteria: it is a conservative change, it occurs at a poorly conserved position in the protein, it is predicted to be benign by multiple in silico algorithms, and/or has population frequency not consistent with disease.

NM_025219.3(DNAJC5):c.494-18T>C

Gene: DNAJC5 (DnaJ heat shock protein family (Hsp40) member C5; plus strand). Cytogenetic location: 20q13.33.
Variant type: single nucleotide variant.
Coding change: c.494-18T>C on transcript NM_025219.3 (MANE Select); 18 bases into the intron before coding-DNA position 494, T replaced by C.
Molecular consequence: intron variant.
Genome position (GRCh38, 1-based): chr20:63,931,447, T>C. VCF-style: chr20-63931447-T-C. GRCh37 (hg19) VCF-style: chr20-62562800-T-C.
Identifiers: ClinVar variation 377782 (VCV000377782.8), dbSNP rs755327268, ClinGen allele CA9969791.